The following is an entry in ClinVar:

ClinVar aggregate classification (germline): Uncertain significance (0 of 4 stars; one submission).

Conditions:
CDK13-related disorder. Also called: CDK13-related condition. Identifiers: MedGen C5816700.

Submission:

PreventionGenetics, part of Exact Sciences
Classification: Uncertain significance for CDK13-related condition. Last evaluated: 2023-11-18. Review status: no assertion criteria provided. Collection method: clinical testing. Allele origin: germline.
Comment: The CDK13 c.4003T>G variant is predicted to result in the amino acid substitution p.Tyr1335Asp. To our knowledge, this variant has not been reported in the literature or in a large population database, indicating this variant is rare. At this time, the clinical significance of this variant is uncertain due to the absence of conclusive functional and genetic evidence.

NM_003718.5(CDK13):c.4003T>G (p.Tyr1335Asp)

Gene: CDK13 (cyclin dependent kinase 13; plus strand). Cytogenetic location: 7p14.1.
Variant type: single nucleotide variant.
Coding change: c.4003T>G on transcript NM_003718.5 (MANE Select); coding-DNA position 4003, T replaced by G.
Protein change: p.Tyr1335Asp; replaces tyrosine 1335 with aspartic acid.
Molecular consequence: missense variant.
Genome position (GRCh38, 1-based): chr7:40,094,444, T>G. VCF-style: chr7-40094444-T-G. GRCh37 (hg19) VCF-style: chr7-40134043-T-G.
Other names: c.3823T>G, p.Tyr1275Asp (NM_031267.4); short protein forms Y1275D, Y1335D.
Identifiers: ClinVar variation 3058236 (VCV003058236.2), dbSNP rs2484073798, ClinGen allele CA367296241.